The following is an entry in ClinVar:

ClinVar aggregate classification (germline): Uncertain significance (1 of 4 stars; one submission).

Conditions:
Gnathodiaphyseal dysplasia (GDD). Also called: GNATHODIAPHYSEAL SCLEROSIS; OSTEOGENESIS IMPERFECTA WITH UNUSUAL SKELETAL LESIONS. Identifiers: Orphanet 53697, MedGen C1833736, MONDO:0008151, OMIM 166260.
Autosomal recessive limb-girdle muscular dystrophy type 2L (LGMDR12). Also called: Limb-girdle muscular dystrophy, type 2L; Limb-Girdle Muscular Dystrophy R12 Anoctamin-5-Related (LGMD-R12); MUSCULAR DYSTROPHY, LIMB-GIRDLE, AUTOSOMAL RECESSIVE 12. Identifiers: Orphanet 206549, MedGen C1969785, MONDO:0012652, OMIM 611307.

Allele frequency attached by ClinVar (database versions not stated): ESP Exome Variant Server 0.00015; gnomAD exomes 0.00001; TOPMed 0.00001; ExAC 0.00002.

Submission:

Labcorp Genetics (formerly Invitae), Labcorp
Classification: Uncertain significance for Autosomal recessive limb-girdle muscular dystrophy type 2L; Gnathodiaphyseal dysplasia. Last evaluated: 2025-05-30. Review status: criteria provided, single submitter. Criteria: Invitae Variant Classification Sherloc (09022015). Collection method: clinical testing. Allele origin: germline.
Comment: This sequence change replaces isoleucine, which is neutral and non-polar, with methionine, which is neutral and non-polar, at codon 526 of the ANO5 protein (p.Ile526Met). This variant is present in population databases (rs373972893, gnomAD 0.003%). This variant has not been reported in the literature in individuals affected with ANO5-related conditions. ClinVar contains an entry for this variant (Variation ID: 1414123). Invitae Evidence Modeling of protein sequence and biophysical properties (such as structural, functional, and spatial information, amino acid conservation, physicochemical variation, residue mobility, and thermodynamic stability) has been performed for this missense variant. However, the output from this modeling did not meet the statistical confidence thresholds required to predict the impact of this variant on ANO5 protein function. In summary, the available evidence is currently insufficient to determine the role of this variant in disease. Therefore, it has been classified as a Variant of Uncertain Significance.

NM_213599.3(ANO5):c.1578C>G (p.Ile526Met)

Gene: ANO5 (anoctamin 5; plus strand). Cytogenetic location: 11p14.3.
Variant type: single nucleotide variant.
Coding change: c.1578C>G on transcript NM_213599.3 (MANE Select); coding-DNA position 1578, C replaced by G.
Protein change: p.Ile526Met; replaces isoleucine 526 with methionine.
Molecular consequence: missense variant.
Genome position (GRCh38, 1-based): chr11:22,259,689, C>G. VCF-style: chr11-22259689-C-G. GRCh37 (hg19) VCF-style: chr11-22281235-C-G.
Other names: c.1575C>G, p.Ile525Met (NM_001142649.2); short protein forms I525M, I526M.
Identifiers: ClinVar variation 1414123 (VCV001414123.6), dbSNP rs373972893, ClinGen allele CA5923285.